The following is an entry in ClinVar:

NM_001017420.3(ESCO2):c.1024G>T (p.Glu342Ter)

Gene: ESCO2 (establishment of sister chromatid cohesion N-acetyltransferase 2; plus strand). Cytogenetic location: 8p21.1.
Variant type: single nucleotide variant.
Coding change: c.1024G>T on transcript NM_001017420.3 (MANE Select); coding-DNA position 1024, G replaced by T.
Protein change: p.Glu342Ter; replaces glutamic acid 342 with a stop codon.
Molecular consequence: nonsense.
Genome position (GRCh38, 1-based): chr8:27,787,895, G>T. VCF-style: chr8-27787895-G-T. GRCh37 (hg19) VCF-style: chr8-27645412-G-T.
Other names: short protein forms E342*.
Identifiers: ClinVar variation 839047 (VCV000839047.6), dbSNP rs1805082639, ClinGen allele CA370823083.
Genomic context (GRCh38, chr8:27,787,895, plus strand): 5'-GTAATTCCTCCAAAATTGTAAATTTATATATATCAACTTTCTGTGTCAAGATCTTTAGGT[G>T]AAGAACAGTTTTCTGTGGGATCTGTCAACTTCATGAAACAGACCAATATCCAGAAAAATA-3'

ClinVar aggregate classification (germline): Pathogenic (1 of 4 stars; one submission).

Submission:

Labcorp Genetics (formerly Invitae), Labcorp
Classification: Pathogenic. Last evaluated: 2019-05-04. Review status: criteria provided, single submitter. Criteria: Invitae Variant Classification Sherloc (09022015). Collection method: clinical testing. Allele origin: germline.
Comment: For these reasons, this variant has been classified as Pathogenic. Loss-of-function variants in ESCO2 are known to be pathogenic (PMID: 15821733, 16380922). This variant has not been reported in the literature in individuals with ESCO2-related conditions. This variant is not present in population databases (ExAC no frequency). This sequence change creates a premature translational stop signal (p.Glu342*) in the ESCO2 gene. It is expected to result in an absent or disrupted protein product.

Literature cited by the submitters: PubMed 15821733; PubMed 16380922.